The following is an entry in ClinVar:

NM_007194.4(CHEK2):c.1066dup (p.Ser356fs)

Gene: CHEK2 (checkpoint kinase 2; minus strand). Cytogenetic location: 22q12.1.
Variant type: Duplication.
Coding change: c.1066dup on transcript NM_007194.4 (MANE Select); coding-DNA position 1066, one base duplicated (T; older notation c.1066dupT).
Protein change: p.Ser356fs; shifts the reading frame from serine 356.
Molecular consequence: frameshift variant. On other transcripts: intron variant (3).
Genome position (GRCh38, 1-based): chr22:28,696,930, A duplicated on the plus strand (T on the coding strand, the reverse complement: CHEK2 is on the minus strand). VCF-style (leftmost placement, unchanged base first): chr22-28696929-G-GA. GRCh37 (hg19) VCF-style: chr22-29092917-G-GA.
Other names: c.1195dup, p.Ser399fs (NM_001005735.3); c.403dup, p.Ser135fs (NM_001257387.3, NM_001437942.1); c.865dup, p.Ser289fs (NM_001349956.3); c.1159dup, p.Ser387fs (NM_001438293.1); c.1009-1057dup (NM_145862.3); c.1102-1057dup (NM_001438295.1); c.1138-1057dup (NM_001438294.1); short protein forms S356fs, S135fs, S399fs, S289fs, S387fs.
Identifiers: ClinVar variation 2452073 (VCV002452073.2), dbSNP rs2517821059, ClinGen allele CA2580099561.

ClinVar aggregate classification (germline): Pathogenic (1 of 4 stars; one submission).

Conditions:
Hereditary cancer-predisposing syndrome. Also called: Neoplastic Syndromes, Hereditary; Tumor predisposition; Hereditary neoplastic syndrome; Hereditary Cancer Syndrome. Identifiers: Orphanet 140162, MedGen C0027672, MeSH D009386, MONDO:0015356.

Submission:

Ambry Genetics
Classification: Pathogenic for Hereditary cancer-predisposing syndrome. Last evaluated: 2022-12-19. Review status: criteria provided, single submitter. Criteria: Ambry Variant Classification Scheme 2023. Collection method: clinical testing. Allele origin: germline.
Comment: The c.1066dupT pathogenic mutation, located in coding exon 9 of the CHEK2 gene, results from a duplication of T at nucleotide position 1066, causing a translational frameshift with a predicted alternate stop codon (p.S356Ffs*13). This alteration is expected to result in loss of function by premature protein truncation or nonsense-mediated mRNA decay. As such, this alteration is interpreted as a disease-causing mutation.